The following is an entry in ClinVar:

NM_006019.4(TCIRG1):c.504-5G>A

Gene: TCIRG1 (T cell immune regulator 1, ATPase H+ transporting V0 subunit a3; plus strand). Cytogenetic location: 11q13.2.
Variant type: single nucleotide variant.
Coding change: c.504-5G>A on transcript NM_006019.4 (MANE Select); 5 bases into the intron before coding-DNA position 504, G replaced by A.
Molecular consequence: intron variant. On other transcripts: 5 prime UTR variant (2).
Genome position (GRCh38, 1-based): chr11:68,043,366, G>A. VCF-style: chr11-68043366-G-A. GRCh37 (hg19) VCF-style: chr11-67810833-G-A.
Other names: c.-412G>A (NM_001351059.2); c.-150G>A (NM_006053.4).
Identifiers: ClinVar variation 3702654 (VCV003702654.3).

ClinVar aggregate classification (germline): Conflicting classifications of pathogenicity. Review status: criteria provided, conflicting classifications (1 of 4 stars). 2 submissions from 2 submitters: Uncertain significance (1); Likely benign (1). Last evaluated 2025-05-27.

gnomAD v4.1: 20 of 1,539,928 alleles (0.0013%); highest among the groups gnomAD compares: Non-Finnish European, 0.0016%; no homozygotes.

Submissions (2):

Labcorp Genetics (formerly Invitae), Labcorp
Classification: Uncertain significance. Last evaluated: 2025-05-27. Review status: criteria provided, single submitter. Criteria: Invitae Variant Classification Sherloc (09022015). Collection method: clinical testing. Allele origin: germline.
Comment: This sequence change falls in intron 5 of the TCIRG1 gene. It does not directly change the encoded amino acid sequence of the TCIRG1 protein. The frequency data for this variant in the population databases is considered unreliable, as metrics indicate poor data quality at this position in the gnomAD database. This variant has not been reported in the literature in individuals affected with TCIRG1-related conditions. ClinVar contains an entry for this variant (Variation ID: 3702654). Algorithms developed to predict the effect of sequence changes on RNA splicing suggest that this variant may create or strengthen a splice site. In summary, the available evidence is currently insufficient to determine the role of this variant in disease. Therefore, it has been classified as a Variant of Uncertain Significance.

Blueprint Genetics
Classification: Likely benign. Last evaluated: 2023-01-20. Review status: criteria provided, single submitter. Criteria: ACMG Guidelines, 2015. Collection method: clinical testing. Allele origin: germline.